The following is an entry in ClinVar:

ClinVar aggregate classification (germline): Benign. Review status: criteria provided, multiple submitters, no conflicts (2 of 4 stars). 4 submissions from 3 submitters: Benign (4). Last evaluated 2018-01-13.

Conditions:
Junctional epidermolysis bullosa gravis of Herlitz. Also called: EPIDERMOLYSIS BULLOSA JUNCTIONALIS, HERLITZ TYPE; EPIDERMOLYSIS BULLOSA, JUNCTIONAL, HERLITZ-PEARSON TYPE; JEB-HERLITZ TYPE; Epidermolysis Bullosa Letalis; Herlitz-type junctional epidermolysis bullosa; EPIDERMOLYSIS BULLOSA, JUNCTIONAL 1B, SEVERE. Identifiers: Orphanet 79404, MedGen C0079683, MONDO:0009182, OMIM 226700.
Laryngo-onycho-cutaneous syndrome (JEB2C). Also called: LOGIC SYNDROME; EPIDERMOLYSIS BULLOSA, JUNCTIONAL 2C, LARYNGOONYCHOCUTANEOUS; SHABBIR SYNDROME. Identifiers: Orphanet 2407, MedGen C1328355, MONDO:0009513, OMIM 245660.

Allele frequency attached by ClinVar (database versions not stated): 1000 Genomes Project 0.35962; 1000 Genomes Project 30x 0.36040; TOPMed 0.49294; gnomAD 0.51102 and 0.51636; gnomAD exomes 0.61836.
gnomAD v4.1: 828,443 of 1,367,508 alleles (61%); highest among the groups gnomAD compares: Non-Finnish European, 68%; 266,021 homozygotes.

Submissions (4):

Illumina Laboratory Services, Illumina
Classification: Benign for Junctional epidermolysis bullosa gravis of Herlitz. Last evaluated: 2018-01-13. Review status: criteria provided, single submitter. Criteria: ICSL Variant Classification Criteria 13 December 2019. Collection method: clinical testing. Allele origin: germline.
Comment: This variant was observed in the ICSL laboratory as part of a predisposition screen in an ostensibly healthy population. It had not been previously curated by ICSL or reported in the Human Gene Mutation Database (HGMD: prior to June 1st, 2018), and was therefore a candidate for classification through an automated scoring system. Utilizing variant allele frequency, disease prevalence and penetrance estimates, and inheritance mode, an automated score was calculated to assess if this variant is too frequent to cause the disease. Based on the score and internal cut-off values, a variant classified as benign is not then subjected to further curation. The score for this variant resulted in a classification of benign for this disease.

Illumina Laboratory Services, Illumina
Classification: Benign for Laryngo-onycho-cutaneous syndrome. Last evaluated: 2018-01-13. Review status: criteria provided, single submitter. Criteria: ICSL Variant Classification Criteria 13 December 2019. Collection method: clinical testing. Allele origin: germline.
Comment: the same text as in the submission from Illumina Laboratory Services, Illumina above.

GeneDx
Classification: Benign. Last evaluated: 2015-03-03. Review status: criteria provided, single submitter. Criteria: GeneDx Variant Classification Process June 2021. Collection method: clinical testing. Allele origin: germline. Affected: yes.

Breakthrough Genomics
Classification: Benign. Review status: criteria provided, single submitter. Criteria: ACMG Guidelines, 2015. Collection method: not provided. Allele origin: germline. Inheritance: Autosomal recessive inheritance. Affected: yes.

NM_198129.4(LAMA3):c.*89C>A

Gene: LAMA3 (laminin subunit alpha 3; plus strand). Cytogenetic location: 18q11.2.
Variant type: single nucleotide variant.
Coding change: c.*89C>A on transcript NM_198129.4 (MANE Select); 89 bases downstream of the stop codon, C replaced by A.
Molecular consequence: 3 prime UTR variant.
Genome position (GRCh38, 1-based): chr18:23,954,737, C>A. VCF-style: chr18-23954737-C-A. GRCh37 (hg19) VCF-style: chr18-21534701-C-A.
Other names: c.*89C>A (NM_000227.6, NM_001127717.4, NM_001127718.4).
Identifiers: ClinVar variation 326352 (VCV000326352.7), dbSNP rs1051149, ClinGen allele CA10647338.